The following is an entry in ClinVar:

NM_004787.4(SLIT2):c.1875T>C (p.Ser625=)

Gene: SLIT2 (slit guidance ligand 2; plus strand). Cytogenetic location: 4p15.31.
Variant type: single nucleotide variant.
Coding change: c.1875T>C on transcript NM_004787.4 (MANE Select); coding-DNA position 1875, T replaced by C.
Protein change: p.Ser625=; no amino-acid change (serine 625 retained).
Molecular consequence: synonymous variant.
Genome position (GRCh38, 1-based): chr4:20,539,483, T>C. VCF-style: chr4-20539483-T-C. GRCh37 (hg19) VCF-style: chr4-20541106-T-C.
Other names: c.1875T>C (NM_004787.3); c.1863T>C, p.Ser621= (NM_001289135.3); c.1851T>C, p.Ser617= (NM_001289136.3).
Identifiers: ClinVar variation 2706141 (VCV002706141.5), dbSNP rs142213693, ClinGen allele CA2871637.

ClinVar aggregate classification (germline): Likely benign. Review status: criteria provided, single submitter (1 of 4 stars). 2 submissions from 2 submitters: Likely benign (1). 1 of the submissions does not count toward it. Last evaluated 2023-03-07.

Conditions:
SLIT2-related disorder. Also called: SLIT2-related condition.

Allele frequency attached by ClinVar (database versions not stated): gnomAD exomes 0.00002; ExAC 0.00006; 1000 Genomes Project 30x 0.00016; 1000 Genomes Project 0.00020; TOPMed 0.00022; gnomAD 0.00029; ESP Exome Variant Server 0.00031.
gnomAD v4.1: 67 of 1,613,804 alleles (0.0042%); highest among the groups gnomAD compares: African/African-American, 0.084%; no homozygotes.

Submissions (2):

Labcorp Genetics (formerly Invitae), Labcorp
Classification: Likely benign. Last evaluated: 2023-03-07. Review status: criteria provided, single submitter. Criteria: Invitae Variant Classification Sherloc (09022015). Collection method: clinical testing. Allele origin: germline.

PreventionGenetics, part of Exact Sciences
Classification: Likely benign for SLIT2-related condition. Last evaluated: 2019-08-12. Review status: no assertion criteria provided. Collection method: clinical testing. Allele origin: germline. Not counted in ClinVar's aggregate classification.
Comment: This variant is classified as likely benign based on ACMG/AMP sequence variant interpretation guidelines (Richards et al. 2015 PMID: 25741868, with internal and published modifications).